The following is an entry in ClinVar:

NM_057175.5(NAA15):c.2320T>C (p.Tyr774His)

Gene: NAA15 (N-alpha-acetyltransferase 15, NatA auxiliary subunit; plus strand). Cytogenetic location: 4q31.1.
Variant type: single nucleotide variant.
Coding change: c.2320T>C on transcript NM_057175.5 (MANE Select); coding-DNA position 2320, T replaced by C.
Protein change: p.Tyr774His; replaces tyrosine 774 with histidine.
Molecular consequence: missense variant.
Genome position (GRCh38, 1-based): chr4:139,386,150, T>C. VCF-style: chr4-139386150-T-C. GRCh37 (hg19) VCF-style: chr4-140307304-T-C.
Other names: c.2317T>C, p.Tyr773His (NM_001410842.1); c.*729T>C (NM_025085.2); short protein forms Y773H, Y774H.
Identifiers: ClinVar variation 1802083 (VCV001802083.2), dbSNP rs2530484881, ClinGen allele CA358270836.

ClinVar aggregate classification (germline): Uncertain significance. Review status: criteria provided, multiple submitters, no conflicts (2 of 4 stars). 2 submissions from 2 submitters: Uncertain significance (2). Last evaluated 2026-01-09.

Conditions:
Inborn genetic diseases. Identifiers: MedGen C0950123, MeSH D030342.

Submissions (2):

Ambry Genetics
Classification: Uncertain significance for Inborn genetic diseases. Last evaluated: 2026-01-09. Review status: criteria provided, single submitter. Criteria: Ambry Variant Classification Scheme 2023. Collection method: clinical testing. Allele origin: germline.

GeneDx
Classification: Uncertain significance. Last evaluated: 2022-05-31. Review status: criteria provided, single submitter. Criteria: GeneDx Variant Classification Process June 2021. Collection method: clinical testing. Allele origin: germline. Affected: yes.
Comment: Not observed at significant frequency in large population cohorts (gnomAD); In silico analysis supports that this missense variant does not alter protein structure/function; Has not been previously published as pathogenic or benign to our knowledge